The following is an entry in ClinVar:

ClinVar aggregate classification (germline): Benign/Likely benign. Review status: criteria provided, multiple submitters, no conflicts (2 of 4 stars). 7 submissions from 6 submitters: Benign (1); Likely benign (5). 1 of the submissions does not count toward it. Last evaluated 2026-01-24.

Conditions:
TERT-related disorder. Also called: TERT-related condition; TERT-related disorders.
Dyskeratosis congenita, autosomal dominant 2. Identifiers: MedGen C3151443, MONDO:0013521, OMIM 613989.
Idiopathic Pulmonary Fibrosis. Also called: Idiopathic fibrosing alveolitis, chronic form; idiopathic fibrosing alveolitis. Identifiers: Orphanet 2032, MedGen C1800706, MeSH D054990, MONDO:0800504.
Dyskeratosis congenita. Identifiers: Orphanet 1775, MedGen C0265965, MONDO:0015780.
Melanoma, cutaneous malignant, susceptibility to, 9. Also called: Cutaneous malignant melanoma 9. Identifiers: Orphanet 618, MedGen C3554574, MONDO:0014056, OMIM 615134.
Acute myeloid leukemia (AML). Also called: Leukemia, acute myeloid, somatic; Leukemia, acute myelogenous, somatic; Acute myeloid leukemia, adult; AML adult; Acute non-lymphocytic leukemia; Acute granulocytic leukemia. Identifiers: Orphanet 519, MedGen C0023467, MeSH D015470, MONDO:0018874, OMIM 601626, HP:0004808. Disease mechanism: Constitutively activated FLT3.

Allele frequency attached by ClinVar (database versions not stated): 1000 Genomes Project 0.00020; ExAC 0.00020; TOPMed 0.00074; ESP Exome Variant Server 0.00077; 1000 Genomes Project 30x 0.00016; gnomAD exomes 0.00016; gnomAD 0.00049 and 0.00056.
gnomAD v4.1: 167 of 1,613,724 alleles (0.01%); highest among the groups gnomAD compares: African/African-American, 0.18%; no homozygotes.

Submissions (7):

Labcorp Genetics (formerly Invitae), Labcorp
Classification: Likely benign for Dyskeratosis congenita, autosomal dominant 2; Idiopathic Pulmonary Fibrosis. Last evaluated: 2026-01-24. Review status: criteria provided, single submitter. Criteria: Invitae Variant Classification Sherloc (09022015). Collection method: clinical testing. Allele origin: germline.

KCCC/NGS Laboratory, Kuwait Cancer Control Center
Classification: Benign for Melanoma, cutaneous malignant, susceptibility to, 9. Last evaluated: 2025-02-01. Review status: criteria provided, single submitter. Criteria: ACMG Guidelines, 2015. Collection method: clinical testing. Allele origin: germline. Affected: no.

Blueprint Genetics
Classification: Likely benign. Last evaluated: 2024-07-05. Review status: criteria provided, single submitter. Criteria: ACMG Guidelines, 2015. Collection method: clinical testing. Allele origin: germline.

KCCC/NGS Laboratory, Kuwait Cancer Control Center
Classification: Likely benign for Acute myeloid leukemia. Last evaluated: 2023-07-07. Review status: criteria provided, single submitter. Criteria: ACMG Guidelines, 2015. Collection method: clinical testing. Allele origin: germline. Affected: yes.

Ambry Genetics
Classification: Likely benign for Dyskeratosis congenita. Last evaluated: 2022-02-15. Review status: criteria provided, single submitter. Criteria: Ambry Variant Classification Scheme 2023. Collection method: clinical testing. Allele origin: germline.

Genetic Services Laboratory, University of Chicago
Classification: Likely benign. Last evaluated: 2021-06-18. Review status: criteria provided, single submitter. Criteria: ACMG Guidelines, 2015. Collection method: clinical testing. Allele origin: germline. Affected: no.

PreventionGenetics, part of Exact Sciences
Classification: Likely benign for TERT-related condition. Last evaluated: 2021-12-13. Review status: no assertion criteria provided. Collection method: clinical testing. Allele origin: germline. Not counted in ClinVar's aggregate classification.
Comment: This variant is classified as likely benign based on ACMG/AMP sequence variant interpretation guidelines (Richards et al. 2015 PMID: 25741868, with internal and published modifications).

NM_198253.3(TERT):c.1836C>G (p.Ala612=)

Gene: TERT (telomerase reverse transcriptase; minus strand). Cytogenetic location: 5p15.33.
Variant type: single nucleotide variant.
Coding change: c.1836C>G on transcript NM_198253.3 (MANE Select); coding-DNA position 1836, C replaced by G.
Protein change: p.Ala612=; no amino-acid change (alanine 612 retained).
Molecular consequence: synonymous variant. On other transcripts: non-coding transcript variant (2).
Genome position (GRCh38, 1-based): chr5:1,280,272, G>C on the plus strand (C>G on the coding strand, the complement: TERT is on the minus strand). VCF-style: chr5-1280272-G-C. GRCh37 (hg19) VCF-style: chr5-1280387-G-C.
Other names: c.1836C>G, p.Ala612= (NM_001193376.3).
Identifiers: ClinVar variation 416316 (VCV000416316.23), dbSNP rs34170122, ClinGen allele CA3184745.